The following is an entry in ClinVar:

NM_007214.5(SEC63):c.2217GGA[1] (p.Glu740del)

Gene: SEC63 (SEC63 homolog, protein translocation regulator; minus strand). Cytogenetic location: 6q21.
Variant type: Microsatellite.
Coding change: c.2217GGA[1] on transcript NM_007214.5 (MANE Select); one copy of the 3-base unit GGA starting at c.2217; the reference has two copies in a row; one copy, 3 bases deleted.
Protein change: p.Glu740del; deletes glutamic acid 740.
Molecular consequence: inframe deletion.
Genome position (GRCh38, 1-based): chr6:107,871,765-107,871,767, TCC deleted on the plus strand (GGA on the coding strand, the reverse complement: SEC63 is on the minus strand); deleting any 3 consecutive bases within chr6:107,871,765-107,871,771 gives the same sequence; the position shown is the placement nearest the transcript's 3' end. VCF-style (leftmost placement, unchanged base first): chr6-107871764-GTCC-G. GRCh37 (hg19) VCF-style: chr6-108192968-GTCC-G.
Other names: short protein forms E740del.
Identifiers: ClinVar variation 2636605 (VCV002636605.1), dbSNP rs749477541, ClinGen allele CA3947129.

ClinVar aggregate classification (germline): Uncertain significance (1 of 4 stars; one submission).

Conditions:
SEC63-related disorder. Also called: SEC63-related condition.

Submission:

PreventionGenetics, part of Exact Sciences
Classification: Uncertain significance for SEC63-related condition. Last evaluated: 2022-10-18. Review status: criteria provided, single submitter. Criteria: ACMG Guidelines, 2015. Collection method: clinical testing. Allele origin: germline.
Comment: The SEC63 c.2220_2222delGGA variant is predicted to result in an in-frame deletion (p.Glu740del). To our knowledge, this variant has not been reported in the literature. This variant is reported in 0.0040% of alleles in individuals of African descent in gnomAD. At this time, the clinical significance of this variant is uncertain due to the absence of conclusive functional and genetic evidence.